The following is an entry in ClinVar:

Single allele

Variant type: Duplication.
Genome position: GRCh38: chr7:52,061,626-52,063,818. GRCh37 (hg19): chr7:52,129,322-52,131,514.
Identifiers: ClinVar variation 157048 (VCV000157048.2), ClinGen allele CA10575652.

ClinVar aggregate classification (germline): not provided (0 of 4 stars; one submission).

Conditions:
Preeclampsia. Identifiers: Orphanet 275555, MedGen C0032914, MONDO:0005081, HP:0100602.

Submission:

Institute of Molecular and Cell Biology, University of Tartu
No classification provided. Condition: Preeclampsia. Review status: no classification provided. Collection method: case-control. Allele origin: unknown. Affected: yes. Study: Kasak2014.
Comment: The study aimed to determine the contribution of copy number variants in the genetic etiology of normal and complicated pregnancies. The samples represented (i) maternal blood DNA drawn from healthy pregnant women during 1st or 2nd trimester and (ii) maternal and paternal blood DNA drawn at term pregnancy cases representing normal and complicated gestations (severe preeclampsia, PE; gestational diabetes, GD; small-for-gestational age newborn, SGA; large-for-gestational age newborn, LGA). We performed CNV calling based on genome-wide genotyping dataset (Illumina HumanOmniExpress-24-v1 BeadChip) by applying three algorithms, QuantiSNP, GADA (Genome Alteration Detection Algorithm) and CNstream in parallel. The acquired CNV calls were merged with HD-CNV (Hotspot Detector for Copy Number Variants) program and only the CNVs predicted by at least two programs, were considered in subsequent analysis.

Literature cited by the submitters: PubMed 25666259.